The following is an entry in ClinVar:

ClinVar aggregate classification (germline): Likely benign (1 of 4 stars; one submission).

Submission:

GeneDx
Classification: Likely benign. Last evaluated: 2020-09-16. Review status: criteria provided, single submitter. Criteria: GeneDx Variant Classification Process June 2021. Collection method: clinical testing. Allele origin: germline. Affected: yes.
Comment: See Variant Classification Assertion Criteria.

NM_001369.3(DNAH5):c.1090-165_1090-157del

Gene: DNAH5 (dynein axonemal heavy chain 5; minus strand). Cytogenetic location: 5p15.2.
Variant type: Deletion.
Coding change: c.1090-165_1090-157del on transcript NM_001369.3 (MANE Select); 165 bases into the intron before coding-DNA position 1090 through 157 bases into the intron before coding-DNA position 1090, 9 bases deleted (AAATTAATA; older notation c.1090-165_1090-157delAAATTAATA).
Molecular consequence: intron variant.
Genome position (GRCh38, 1-based): chr5:13,916,612-13,916,620, TATTAATTT deleted on the plus strand (AAATTAATA on the coding strand, the reverse complement: DNAH5 is on the minus strand); deleting any 9 consecutive bases within chr5:13,916,612-13,916,625 gives the same sequence; the c. name uses the placement nearest the transcript's 3' end. VCF-style (leftmost placement, unchanged base first): chr5-13916611-ATATTAATTT-A. GRCh37 (hg19) VCF-style: chr5-13916720-ATATTAATTT-A.
Identifiers: ClinVar variation 1700719 (VCV001700719.2), dbSNP rs141723684, ClinGen allele CA113960831.
Genomic context (GRCh38, chr5:13,916,611, plus strand): 5'-AGCTTTCTATTAAAGATTTAAAAATACTATTTAATGCTTTACATGAAAATAATATATTTA[ATATTAATTT>A]TATTAGTCACATATGGTTAATCAAATTTTATTTCAGTGGAAGAAACATTGACCCACTGTT-3'